The following is an entry in ClinVar:

NM_005548.3(KARS1):c.131G>A (p.Ser44Asn)

Gene: KARS1 (lysyl-tRNA synthetase 1; minus strand). Cytogenetic location: 16q23.1.
Variant type: single nucleotide variant.
Coding change: c.131G>A on transcript NM_005548.3 (MANE Select); coding-DNA position 131, G replaced by A.
Protein change: p.Ser44Asn; replaces serine 44 with asparagine.
Molecular consequence: missense variant. On other transcripts: 5 prime UTR variant (1).
Genome position (GRCh38, 1-based): chr16:75,641,655, C>T on the plus strand (G>A on the coding strand, the complement: KARS1 is on the minus strand). VCF-style: chr16-75641655-C-T. GRCh37 (hg19) VCF-style: chr16-75675553-C-T.
Other names: c.215G>A, p.Ser72Asn (NM_001130089.2); c.-338G>A (NM_001378148.1); short protein forms S44N, S72N.
Identifiers: ClinVar variation 3375694 (VCV003375694.1).
Genomic context (GRCh38, chr16:75,641,655, plus strand): 5'-ACACCATTATCAGTGGTGTGGTTGGTGGCAGCAGCAGTGGCTTGGCTTAGCTGTTTCTCA[C>T]TGAGCTCTTTCTGTTTGGCCTCCTTCTCTGCTACTTTCTTCTCAGCTTTCAGGCGTCTCT-3'
Protein context (NP_005539.1, residues 34-54): AEKEAKQKEL[Ser44Asn]EKQLSQATAA

ClinVar aggregate classification (germline): Uncertain significance (1 of 4 stars; one submission).

gnomAD v4.1: 1 of 1,614,032 alleles (0.000062%); highest among the groups gnomAD compares: Non-Finnish European, 0.000085%; no homozygotes.

Submission:

GeneDx
Classification: Uncertain significance. Last evaluated: 2024-05-09. Review status: criteria provided, single submitter. Criteria: GeneDx Variant Classification Process June 2021. Collection method: clinical testing. Allele origin: germline. Affected: yes.
Comment: Not observed at significant frequency in large population cohorts (gnomAD); In silico analysis indicates that this missense variant does not alter protein structure/function; Has not been previously published as pathogenic or benign to our knowledge